The following is an entry in ClinVar:

ClinVar aggregate classification (germline): Likely benign (1 of 4 stars; one submission).

Allele frequency attached by ClinVar (database versions not stated): gnomAD exomes 0.00022; ExAC 0.00067; gnomAD 0.00210; TOPMed 0.00238; ESP Exome Variant Server 0.00247; 1000 Genomes Project 0.00300; 1000 Genomes Project 30x 0.00328.
gnomAD v4.1: 673 of 1,614,014 alleles (0.042%); highest among the groups gnomAD compares: African/African-American, 0.69%; 4 homozygotes.

Submission:

CeGaT Center for Human Genetics Tuebingen
Classification: Likely benign. Last evaluated: 2023-12-01. Review status: criteria provided, single submitter. Criteria: CeGaT Center For Human Genetics Tuebingen Variant Classification Criteria Version 2. Collection method: clinical testing. Allele origin: germline. Affected: yes. Observed: 1 variant allele.
Comment: UMODL1: BP4, BS2

NM_001004416.3(UMODL1):c.424C>T (p.Leu142Phe)

Gene: UMODL1 (uromodulin like 1; plus strand). Cytogenetic location: 21q22.3.
Variant type: single nucleotide variant.
Coding change: c.424C>T on transcript NM_001004416.3 (MANE Select); coding-DNA position 424, C replaced by T.
Protein change: p.Leu142Phe; replaces leucine 142 with phenylalanine.
Molecular consequence: missense variant.
Genome position (GRCh38, 1-based): chr21:42,084,188, C>T. VCF-style: chr21-42084188-C-T. GRCh37 (hg19) VCF-style: chr21-43504298-C-T.
Other names: c.208C>T, p.Leu70Phe (NM_001199527.3, NM_001199528.4); c.424C>T, p.Leu142Phe (NM_173568.4); short protein forms L142F, L70F.
Identifiers: ClinVar variation 3025392 (VCV003025392.22), dbSNP rs143843395, ClinGen allele CA10039193.